The following is an entry in ClinVar:

ClinVar aggregate classification (germline): Uncertain significance (1 of 4 stars; one submission).

Allele frequency attached by ClinVar (database versions not stated): gnomAD exomes below 0.00001.
gnomAD v4.1: 1 of 1,614,158 alleles (0.000062%); highest among the groups gnomAD compares: Admixed American, 0.0017%; no homozygotes.

Submission:

Labcorp Genetics (formerly Invitae), Labcorp
Classification: Uncertain significance. Last evaluated: 2022-06-30. Review status: criteria provided, single submitter. Criteria: Invitae Variant Classification Sherloc (09022015). Collection method: clinical testing. Allele origin: germline.
Comment: In summary, the available evidence is currently insufficient to determine the role of this variant in disease. Therefore, it has been classified as a Variant of Uncertain Significance. Advanced modeling of protein sequence and biophysical properties (such as structural, functional, and spatial information, amino acid conservation, physicochemical variation, residue mobility, and thermodynamic stability) performed at Invitae indicates that this missense variant is not expected to disrupt ALDH3A2 protein function. This variant has not been reported in the literature in individuals affected with ALDH3A2-related conditions. This variant is present in population databases (no rsID available, gnomAD 0.003%). This sequence change replaces glutamine, which is neutral and polar, with histidine, which is basic and polar, at codon 422 of the ALDH3A2 protein (p.Gln422His).

NM_000382.3(ALDH3A2):c.1266G>C (p.Gln422His)

Gene: ALDH3A2 (aldehyde dehydrogenase 3 family member A2; plus strand). Cytogenetic location: 17p11.2.
Variant type: single nucleotide variant.
Coding change: c.1266G>C on transcript NM_000382.3 (MANE Select); coding-DNA position 1266, G replaced by C.
Protein change: p.Gln422His; replaces glutamine 422 with histidine.
Molecular consequence: missense variant. On other transcripts: intron variant (1).
Genome position (GRCh38, 1-based): chr17:19,671,779, G>C. VCF-style: chr17-19671779-G-C. GRCh37 (hg19) VCF-style: chr17-19575092-G-C.
Other names: c.1266G>C, p.Gln422His (NM_001031806.2, NM_001369136.1, NM_001369137.2 and 2 more transcripts); c.687G>C, p.Gln229His (NM_001369148.2); c.1208-3779G>C (NM_001369146.2); short protein forms Q422H, Q229H.
Identifiers: ClinVar variation 2150504 (VCV002150504.4), dbSNP rs1256793454, ClinGen allele CA398710697.
Genomic context (GRCh38, chr17:19,671,779, plus strand): 5'-AGGTTCCAGTGGGATGGGAGCTTATCACGGAAAACATAGTTTTGATACTTTTTCTCATCA[G>C]CGTCCCTGTTTATTAAAAAGTTTAAAGAGAGAAGGTGCTAACAAACTCAGATATCCTCCC-3'
Protein context (NP_000373.1, residues 412-432): GKHSFDTFSH[Gln422His]RPCLLKSLKR